The following is an entry in ClinVar:

NM_001042492.3(NF1):c.3497-6C>T

Gene: NF1 (neurofibromin 1; plus strand). Cytogenetic location: 17q11.2.
Variant type: single nucleotide variant.
Coding change: c.3497-6C>T on transcript NM_001042492.3 (MANE Select); 6 bases into the intron before coding-DNA position 3497, C replaced by T.
Molecular consequence: intron variant.
Genome position (GRCh38, 1-based): chr17:31,232,996, C>T. VCF-style: chr17-31232996-C-T. GRCh37 (hg19) VCF-style: chr17-29560014-C-T.
Other names: c.3497-6C>T (NM_000267.3, NM_000267.4).
Identifiers: ClinVar variation 1104716 (VCV001104716.8), dbSNP rs2067140852, ClinGen allele CA982966533.
Genomic context (GRCh38, chr17:31,232,996, plus strand): 5'-TAAGAGAAGCAAAAATTACTTCAGCAAGGCCATGTTAGTAAATTTGCATCTGTTTGTCCA[C>T]ATTAGGCTTAGGTTACCACAAGGATCTCCAGACAAGAGCTACATTTATGGAAGTTCTGAC-3'

ClinVar aggregate classification (germline): Likely benign. Review status: criteria provided, multiple submitters, no conflicts (2 of 4 stars). 2 submissions from 2 submitters: Likely benign (2). Last evaluated 2026-03-18.

Conditions:
NF1-related disorder. Also called: NF1-related condition. Identifiers: MedGen CN379171.
Neurofibromatosis, type 1 (NF1). Also called: NEUROFIBROMATOSIS, TYPE I, SOMATIC; Peripheral type neurofibromatosis; Neurofibromatosis, type I; VON RECKLINGHAUSEN DISEASE. Identifiers: Orphanet 636, MedGen C0027831, MONDO:0018975, OMIM 162200. Disease mechanism: loss of function.

Allele frequency attached by ClinVar (database versions not stated): gnomAD exomes below 0.00001; gnomAD 0.00001.
gnomAD v4.1: 2 of 1,614,066 alleles (0.00012%); highest among the groups gnomAD compares: Non-Finnish European, 0.00017%; no homozygotes.

Submissions (2):

PreventionGenetics, part of Exact Sciences
Classification: Likely benign for NF1-related condition. Last evaluated: 2026-03-18. Review status: criteria provided, single submitter. Criteria: ACMG Guidelines, 2015. Collection method: clinical testing. Allele origin: germline.
Comment: This variant is classified as likely benign based on ACMG/AMP sequence variant interpretation guidelines (Richards et al. 2015 PMID: 25741868, with internal and published modifications).

Labcorp Genetics (formerly Invitae), Labcorp
Classification: Likely benign for Neurofibromatosis, type 1. Last evaluated: 2019-05-01. Review status: criteria provided, single submitter. Criteria: Invitae Variant Classification Sherloc (09022015). Collection method: clinical testing. Allele origin: germline.